The following is an entry in ClinVar:

ClinVar aggregate classification (germline): Conflicting classifications of pathogenicity. Review status: criteria provided, conflicting classifications (1 of 4 stars). 2 submissions from 2 submitters: Likely pathogenic (1); Uncertain significance (1). Last evaluated 2024-12-18.

Conditions:
Autosomal recessive nonsyndromic hearing loss 63. Identifiers: Orphanet 90636, MedGen C1969621, MONDO:0012670, OMIM 611451.

Allele frequency attached by ClinVar (database versions not stated): gnomAD exomes 0.00001.
gnomAD v4.1: 6 of 1,550,870 alleles (0.00039%); highest among the groups gnomAD compares: East Asian, 0.0049%; no homozygotes.

Submissions (2):

Genomic Medicine Center of Excellence, King Faisal Specialist Hospital and Research Centre
Classification: Likely pathogenic for Autosomal recessive nonsyndromic hearing loss 63. Last evaluated: 2024-12-18. Review status: criteria provided, single submitter. Criteria: ACMG Guidelines, 2015. Collection method: clinical testing. Allele origin: germline.

3billion
Classification: Uncertain significance for Autosomal recessive nonsyndromic hearing loss 63. Last evaluated: 2022-01-03. Review status: criteria provided, single submitter. Criteria: ACMG Guidelines, 2015. Collection method: clinical testing. Allele origin: germline. Affected: yes. Observed: 1 heterozygote.
Comment: The variant is observed at an extremely low frequency in the gnomAD v2.1.1 dataset (total allele frequency: 0.000013, PM2_M). In silico tool predictions suggest damaging effect of the variant on gene or gene product (REVEL: 0.635, PP3_P). Therefore, this variant is classified as uncertain significance according to the recommendation of ACMG/AMP guideline.

NM_001145308.5(LRTOMT):c.154C>T (p.Arg52Trp)

Genes: TOMT (transmembrane O-methyltransferase; plus strand), LRTOMT (leucine rich transmembrane and O-methyltransferase domain containing; plus strand). Cytogenetic location: 11q13.4.
Variant type: single nucleotide variant.
Coding change: c.154C>T on transcript NM_001145308.5; coding-DNA position 154, C replaced by T.
Protein change: p.Arg52Trp; replaces arginine 52 with tryptophan.
Molecular consequence: missense variant. On other transcripts: intron variant (1).
Genome position (GRCh38, 1-based): chr11:72,106,006, C>T. VCF-style: chr11-72106006-C-T. GRCh37 (hg19) VCF-style: chr11-71817052-C-T.
Other names: c.55C>T, p.Arg19Trp (NM_001393500.2); c.154C>T, p.Arg52Trp (NM_001145309.4); c.84-50C>T (NM_001145310.4); short protein forms R19W, R52W.
Identifiers: ClinVar variation 1333659 (VCV001333659.3), dbSNP rs1372399805, ClinGen allele CA381717154.